The following is an entry in ClinVar:

ClinVar aggregate classification (germline): Likely benign (1 of 4 stars; one submission).

Allele frequency attached by ClinVar (database versions not stated): ExAC 0.00002.
gnomAD v4.1: 21 of 1,613,672 alleles (0.0013%); highest among the groups gnomAD compares: Admixed American, 0.013%; no homozygotes.

Submission:

CeGaT Center for Human Genetics Tuebingen
Classification: Likely benign. Last evaluated: 2023-01-01. Review status: criteria provided, single submitter. Criteria: CeGaT Center For Human Genetics Tuebingen Variant Classification Criteria Version 2. Collection method: clinical testing. Allele origin: germline. Affected: yes. Observed: 1 variant allele.
Comment: ABCA13: BP4, BP7

NM_152701.5(ABCA13):c.1638A>G (p.Leu546=)

Gene: ABCA13 (ATP binding cassette subfamily A member 13; plus strand). Cytogenetic location: 7p12.3.
Variant type: single nucleotide variant.
Coding change: c.1638A>G on transcript NM_152701.5 (MANE Select); coding-DNA position 1638, A replaced by G.
Protein change: p.Leu546=; no amino-acid change (leucine 546 retained).
Molecular consequence: synonymous variant.
Genome position (GRCh38, 1-based): chr7:48,246,009, A>G. VCF-style: chr7-48246009-A-G. GRCh37 (hg19) VCF-style: chr7-48285606-A-G.
Identifiers: ClinVar variation 2657468 (VCV002657468.24), dbSNP rs747919539, ClinGen allele CA4256474.